The following is an entry in ClinVar:

ClinVar aggregate classification (germline): Benign/Likely benign. Review status: criteria provided, multiple submitters, no conflicts (2 of 4 stars). 9 submissions from 9 submitters: Benign (5); Likely benign (3). 1 of the submissions does not count toward it. Last evaluated 2026-01-25.

Conditions:
Charcot-Marie-Tooth disease. Also called: Charcot-Marie-Tooth Neuropathy; Charcot-Marie-Tooth Hereditary Neuropathy. Identifiers: Orphanet 166, MedGen C0007959, MONDO:0015626.
Charcot-Marie-Tooth disease type 4. Also called: Charcot-Marie-Tooth disease, type IV; Charcot-Marie-Tooth, Type 4. Identifiers: Orphanet 64749, MedGen C4082197, MONDO:0018995.
Charcot-Marie-Tooth disease type 4B1. Also called: Charcot-Marie-Tooth Neuropathy Type 4B1; CHARCOT-MARIE-TOOTH DISEASE, AUTOSOMAL RECESSIVE, WITH FOCALLY FOLDED MYELIN SHEATHS, AUTOSOMAL RECESSIVE, TYPE 4B1; CHARCOT-MARIE-TOOTH DISEASE, TYPE 4B; CHARCOT-MARIE-TOOTH DISEASE, DEMYELINATING, TYPE 4B1. Identifiers: Orphanet 99955, MedGen C1832399, MONDO:0011066, OMIM 601382.

Allele frequency attached by ClinVar (database versions not stated): 1000 Genomes Project 0.00120; 1000 Genomes Project 30x 0.00125; ESP Exome Variant Server 0.00308; TOPMed 0.00323; gnomAD 0.00374 and 0.00390; gnomAD exomes 0.00383 and 0.00521; ExAC 0.00426.
gnomAD v4.1: 7,798 of 1,557,518 alleles (0.5%); highest among the groups gnomAD compares: Middle Eastern, 1.1%; 29 homozygotes.

Submissions (9):

Labcorp Genetics (formerly Invitae), Labcorp
Classification: Benign for Charcot-Marie-Tooth disease type 4. Last evaluated: 2026-01-25. Review status: criteria provided, single submitter. Criteria: Invitae Variant Classification Sherloc (09022015). Collection method: clinical testing. Allele origin: germline.

ARUP Laboratories, Molecular Genetics and Genomics, ARUP Laboratories
Classification: Benign for Charcot-Marie-Tooth disease type 4B1. Last evaluated: 2025-03-14. Review status: criteria provided, single submitter. Criteria: ARUP Molecular Germline Variant Investigation Process 2024. Collection method: clinical testing. Allele origin: germline.

Blueprint Genetics
Classification: Likely benign. Last evaluated: 2024-11-20. Review status: criteria provided, single submitter. Criteria: ACMG Guidelines, 2015. Collection method: clinical testing. Allele origin: germline.

Illumina Laboratory Services, Illumina
Classification: Likely benign for Charcot-Marie-Tooth disease type 4B1. Last evaluated: 2018-01-13. Review status: criteria provided, single submitter. Criteria: ICSL Variant Classification Criteria 13 December 2019. Collection method: clinical testing. Allele origin: germline.
Comment: This variant was observed in the ICSL laboratory as part of a predisposition screen in an ostensibly healthy population. It had not been previously curated by ICSL or reported in the Human Gene Mutation Database (HGMD: prior to June 1st, 2018), and was therefore a candidate for classification through an automated scoring system. Utilizing variant allele frequency, disease prevalence and penetrance estimates, and inheritance mode, an automated score was calculated to assess if this variant is too frequent to cause the disease. Based on the score and internal cut-off values, a variant classified as likely benign is not then subjected to further curation. The score for this variant resulted in a classification of likely benign for this disease.

Genome Diagnostics Laboratory, University Medical Center Utrecht
Classification: Benign for Charcot-Marie-Tooth disease type 4B1. Last evaluated: 2016-10-24. Review status: criteria provided, single submitter. Criteria: ACGS Guidelines, 2013. Collection method: clinical testing. Allele origin: germline. Affected: yes. Study: VKGL Data-share Consensus.

GeneDx
Classification: Benign. Last evaluated: 2015-03-03. Review status: criteria provided, single submitter. Criteria: GeneDx Variant Classification Process June 2021. Collection method: clinical testing. Allele origin: germline. Affected: yes.

Breakthrough Genomics
Classification: Likely benign. Review status: criteria provided, single submitter. Criteria: ACMG Guidelines, 2015. Collection method: not provided. Allele origin: germline. Inheritance: Autosomal recessive inheritance. Affected: yes.

Molecular Genetics Laboratory, London Health Sciences Centre
Classification: Benign for Charcot-Marie-Tooth disease. Review status: criteria provided, single submitter. Criteria: ACMG Guidelines, 2015. Collection method: clinical testing. Allele origin: germline. Affected: yes.

Clinical Genetics, Academic Medical Center
Classification: Benign. Review status: no assertion criteria provided. Collection method: clinical testing. Allele origin: germline. Affected: yes. Study: VKGL Data-share Consensus. Not counted in ClinVar's aggregate classification.

NM_016156.6(MTMR2):c.570+11T>C

Gene: MTMR2 (myotubularin related protein 2; minus strand). Cytogenetic location: 11q21.
Variant type: single nucleotide variant.
Coding change: c.570+11T>C on transcript NM_016156.6 (MANE Select); 11 bases into the intron after coding-DNA position 570, T replaced by C.
Molecular consequence: intron variant.
Genome position (GRCh38, 1-based): chr11:95,858,520, A>G on the plus strand (T>C on the coding strand, the complement: MTMR2 is on the minus strand). VCF-style: chr11-95858520-A-G. GRCh37 (hg19) VCF-style: chr11-95591684-A-G.
Other names: c.354+11T>C (NM_201281.3, NM_201278.3, NM_001243571.2).
Identifiers: ClinVar variation 306543 (VCV000306543.19), dbSNP rs182582445, ClinGen allele CA6240300.
Genomic context (GRCh38, chr11:95,858,520, plus strand): 5'-GCCTAGACAAGTTTCTTTATACGACATCAATAATTATAGCACAAATTTTCCAAAGACAGG[A>G]AACATTTTACCAGGTTATTAGAGACAGGAAATGCATATTTCATTAGATTCTCAAATATGG-3'